The following is an entry in ClinVar:

NM_002139.4(RBMX):c.786T>C (p.Asp262=)

Genes: RBMX (RNA binding motif protein X-linked; minus strand), LOC126863330 (MED14-independent group 3 enhancer GRCh37_chrX:135956167-135957366; plus strand). Cytogenetic location: Xq26.3.
Variant type: single nucleotide variant.
Coding change: c.786T>C on transcript NM_002139.4 (MANE Select); coding-DNA position 786, T replaced by C.
Protein change: p.Asp262=; no amino-acid change (aspartic acid 262 retained).
Molecular consequence: synonymous variant. On other transcripts: missense variant (1), non-coding transcript variant (2).
Genome position (GRCh38, 1-based): chrX:136,875,165, A>G on the plus strand (T>C on the coding strand, the complement: RBMX is on the minus strand). VCF-style: chrX-136875165-A-G. GRCh37 (hg19) VCF-style: chrX-135957324-A-G.
Other names: c.461T>C, p.Ile154Thr (NM_001164803.2); short protein forms I154T.
Identifiers: ClinVar variation 4874840 (VCV004874840.2).

ClinVar aggregate classification (germline): Uncertain significance (1 of 4 stars; one submission).

Submission:

CeGaT Center for Human Genetics Tuebingen
Classification: Uncertain significance. Last evaluated: 2026-05-01. Review status: criteria provided, single submitter. Criteria: CeGaT Center For Human Genetics Tuebingen Variant Classification Criteria Version 2. Collection method: clinical testing. Allele origin: germline. Affected: yes. Observed: 1 variant allele.
Comment: RBMX: PM2, PP2, BP4